The following is an entry in ClinVar:

NM_000238.4(KCNH2):c.3470dup (p.Ser1159fs)

Gene: KCNH2 (potassium voltage-gated channel subfamily H member 2; minus strand). Cytogenetic location: 7q36.1.
Variant type: Duplication.
Coding change: c.3470dup on transcript NM_000238.4 (MANE Select); coding-DNA position 3470, one base duplicated (C; older notation c.3470dupC).
Protein change: p.Ser1159fs; shifts the reading frame from serine 1159.
Molecular consequence: frameshift variant.
Genome position (GRCh38, 1-based): chr7:150,945,375, G duplicated on the plus strand (C on the coding strand, the reverse complement: KCNH2 is on the minus strand); the first of 3 consecutive G bases (chr7:150,945,375-150,945,377); duplicating any one gives the same sequence. VCF-style (leftmost placement, unchanged base first): chr7-150945374-C-CG. GRCh37 (hg19) VCF-style: chr7-150642462-C-CG.
Other names: c.2450dup, p.Ser819fs (NM_172057.3); short protein forms S1159fs, S819fs.
Identifiers: ClinVar variation 200713 (VCV000200713.2), dbSNP rs794728474, ClinGen allele CA305340.

ClinVar aggregate classification (germline): Uncertain significance (1 of 4 stars; one submission).

Submission:

GeneDx
Classification: Uncertain significance. Last evaluated: 2018-05-17. Review status: criteria provided, single submitter. Criteria: GeneDx Variant Classification (06012015). Collection method: clinical testing. Allele origin: germline. Affected: yes.
Comment: The c.3470dupC variant in the KCNH2 gene has been previously reported in association with LQTS and was absent from approximately 2600 control alleles (Kapplinger J et al., 2009). This variant causes a shift in reading frame starting at the final codon, changing Serine 1159 to a Glutamine, and creating an abnormal elongated protein with 110 spurious amino acids followed by a stop codon at position 111 of the new reading frame (denoted p.Ser1159GlnfsX111). Other frameshift variants in the terminal exon of the KCNH2 gene have been reported in association with LQTS. The variant is found in HERG panel(s).